The following is an entry in ClinVar:

NM_000059.4(BRCA2):c.1770T>G (p.Phe590Leu)

Gene: BRCA2 (BRCA2 DNA repair associated; plus strand). Cytogenetic location: 13q13.1.
Variant type: single nucleotide variant.
Coding change: c.1770T>G on transcript NM_000059.4 (MANE Select); coding-DNA position 1770, T replaced by G.
Protein change: p.Phe590Leu; replaces phenylalanine 590 with leucine.
Molecular consequence: missense variant.
Genome position (GRCh38, 1-based): chr13:32,333,248, T>G. VCF-style: chr13-32333248-T-G. GRCh37 (hg19) VCF-style: chr13-32907385-T-G.
Other names: c.1770T>G, p.Phe590Leu (NM_001406719.1, NM_001406720.1, NM_001406721.1); short protein forms F590L.
Identifiers: ClinVar variation 1779797 (VCV001779797.6), dbSNP rs1214812785, ClinGen allele CA387765632.

ClinVar aggregate classification (germline): Conflicting classifications of pathogenicity. Review status: criteria provided, conflicting classifications (1 of 4 stars). 3 submissions from 3 submitters: Uncertain significance (2); Likely benign (1). Last evaluated 2024-05-06.

Conditions:
Hereditary cancer-predisposing syndrome. Also called: Neoplastic Syndromes, Hereditary; Tumor predisposition; Hereditary Cancer Syndrome; Hereditary neoplastic syndrome. Identifiers: Orphanet 140162, MedGen C0027672, MeSH D009386, MONDO:0015356.

Submissions (3):

Ambry Genetics
Classification: Uncertain significance for Hereditary cancer-predisposing syndrome. Last evaluated: 2024-05-06. Review status: criteria provided, single submitter. Criteria: Ambry Variant Classification Scheme 2023. Collection method: clinical testing. Allele origin: germline.
Comment: The p.F590L variant (also known as c.1770T>G), located in coding exon 9 of the BRCA2 gene, results from a T to G substitution at nucleotide position 1770. The phenylalanine at codon 590 is replaced by leucine, an amino acid with highly similar properties. This amino acid position is highly conserved in available vertebrate species. In addition, the in silico prediction for this alteration is inconclusive. Based on the available evidence, the clinical significance of this variant remains unclear.

Quest Diagnostics Nichols Institute San Juan Capistrano
Classification: Uncertain significance. Last evaluated: 2023-06-14. Review status: criteria provided, single submitter. Criteria: Quest Diagnostics criteria. Collection method: clinical testing. Allele origin: unknown.
Comment: In the published literature, this variant has been reported to be located in a region of the BRCA2 gene where sequence changes are tolerated (PMID: 31911673 (2020)). This variant has not been reported in individuals with a BRCA2 related disorder. This variant has not been reported in large, multi-ethnic general populations (Genome Aggregation Database). Analysis of this variant using bioinformatics tools for the prediction of the effect of amino acid changes on protein structure and function yielded conflicting predictions that this variant is benign or damaging. Based on the available information, we are unable to determine the clinical significance of this variant.

University of Washington Department of Laboratory Medicine, University of Washington
Classification: Likely benign for Hereditary cancer-predisposing syndrome. Last evaluated: 2023-03-23. Review status: criteria provided, single submitter. Criteria: Dines et al. (Genet Med. 2020). Collection method: curation. Allele origin: germline.
Comment: Missense variant in a coldspot region where missense variants are very unlikely to be pathogenic (PMID:31911673).

BRCA2 exon 10 coldspot. Reclassification based on statistical prior probability.

Literature cited by the submitters: PubMed 31911673 (cited by Quest Diagnostics Nichols Institute San Juan Capistrano).